The following is an entry in ClinVar:

NM_001370259.2(MEN1):c.125G>T (p.Gly42Val)

Gene: MEN1 (menin 1; minus strand). Cytogenetic location: 11q13.1.
Variant type: single nucleotide variant.
Coding change: c.125G>T on transcript NM_001370259.2 (MANE Select); coding-DNA position 125, G replaced by T.
Protein change: p.Gly42Val; replaces glycine 42 with valine.
Molecular consequence: missense variant.
Genome position (GRCh38, 1-based): chr11:64,809,985, C>A on the plus strand (G>T on the coding strand, the complement: MEN1 is on the minus strand). VCF-style: chr11-64809985-C-A. GRCh37 (hg19) VCF-style: chr11-64577457-C-A.
Other names: c.125G>T, p.Gly42Val (NM_000244.4, NM_001370251.2, NM_001370260.2 and 9 more transcripts); short protein forms G42V.
Identifiers: ClinVar variation 618210 (VCV000618210.9), dbSNP rs1565652689, ClinGen allele CA381187882.

ClinVar aggregate classification (germline): Likely pathogenic (1 of 4 stars; one submission).

Submission:

ARUP Laboratories, Molecular Genetics and Genomics, ARUP Laboratories
Classification: Likely pathogenic. Last evaluated: 2018-01-23. Review status: criteria provided, single submitter. Criteria: ARUP Molecular Germline Variant Investigation Process. Collection method: clinical testing. Allele origin: germline.
Comment: The MEN1 c.125G>T; p.Gly42Val variant is reported in the literature in 3 individuals from two unrelated families affected with Multiple Endocrine Neoplasia Type 1 (Itoh 2017, Koehler 2017). This variant is absent from general population databases (1000 Genomes Project, Exome Variant Server, Genome Aggregation Database), indicating it is not a common polymorphism. Additionally, other variants at this codon (p.Gly42Asp, p.Gly42Ser, p.Gly42Ala, p.Gly42Cys) have been reported in individuals with a clinical diagnosis of Multiple Endocrine Neoplasia Type 1 and all would be classified at least likely pathogenic (Anselmo 2016, Bassett 1998, Kong 2016, Kytola 2001, Wautot 2002). The glycine at codon 42 is highly conserved and computational algorithms (SIFT, PolyPhen2, MutationTaster) predict this variant to be deleterious. Based on available information, this variant is considered likely pathogenic. References: Anselmo J et al. A novel germline mutation of the MEN 1 gene associated with multiple endocrine neoplasia type 1 (MEN1 syndrome) followed over three generations of a family. Endocrine Abstracts. 2016; 40. Bassett J et al. Characterization of mutations in patients with multiple endocrine neoplasia type 1. Am J Hum Genet. 1998 Feb; 62(2): 232â€“244. Itoh M et al. A novel MEN1 mutation in a Japanese adolescent with multiple endocrine neoplasia type 1. Clin Pediatr Endocrinol. 2017 Jan;26(1):25-28. Koehler V et al. Novel Germline p.Gly42Val MEN1 Mutation in a Family with Multiple Endocrine Neoplasia Type 1 - Excellent Response of Prolactinoma to Cabergoline. Ann Clin Lab Sci. 2017 Sep;47(5):606-610. Kong J et al. Clinical and Genetic Analysis of Multiple Endocrine Neoplasia Type 1-Related Primary Hyperparathyroidism in Chinese. PLoS One. 2016; 11(11): e0166634. Kytola S et al. Founder effect in multiple endocrine neoplasia type 1 (MEN 1) in Finland. J Med Genet. 2001 Mar;38(3):185-9. Masatsune Itoh and Yutaka Saikawa. A novel MEN1 mutation in a Japanese adolescent with multiple endocrine neoplasia type 1. Clin Pediatr Endocrinol. 2017 Jan; 26(1): 25-28. Wautot V et al. Germline mutation profile of MEN1 in multiple endocrine neoplasia type 1: search for correlation between phenotype and the functional domains of the MEN1 protein. Hum Mutat. 2002 Jul;20(1):35-47.